The following is an entry in ClinVar:

NM_144993.1:c.1098_1103dupGGCCCC

Gene: TET3 (tet methylcytosine dioxygenase 3; plus strand).
Variant type: Duplication.
Other names: c.1098_1103dupGGCCCC (NM_144993.1).
Identifiers: ClinVar variation 4183071 (VCV004183071.1).

ClinVar aggregate classification (germline): Uncertain significance (1 of 4 stars; one submission).

Conditions:
Inborn genetic diseases. Identifiers: MedGen C0950123, MeSH D030342.

Submission:

Ambry Genetics
Classification: Uncertain significance for Inborn genetic diseases. Last evaluated: 2025-07-16. Review status: criteria provided, single submitter. Criteria: Ambry Variant Classification Scheme 2023. Collection method: clinical testing. Allele origin: germline.
Comment: The c.1098_1103dupGGCCCC (p.A367_P368dup) alteration is located in exon 1 (coding exon 1) of the TET3 gene. The alteration consists of an in-frame duplication of 6 nucleotides from position 1098 to 1103, resulting in the duplication of 2 residues. Based on insufficient or conflicting evidence, the clinical significance of this alteration remains unclear.